The following is an entry in ClinVar:

NM_001270508.2(TNFAIP3):c.1306G>A (p.Gly436Arg)

Gene: TNFAIP3 (TNF alpha induced protein 3; plus strand). Cytogenetic location: 6q23.3.
Variant type: single nucleotide variant.
Coding change: c.1306G>A on transcript NM_001270508.2 (MANE Select); coding-DNA position 1306, G replaced by A.
Protein change: p.Gly436Arg; replaces glycine 436 with arginine.
Molecular consequence: missense variant.
Genome position (GRCh38, 1-based): chr6:137,878,751, G>A. VCF-style: chr6-137878751-G-A. GRCh37 (hg19) VCF-style: chr6-138199888-G-A.
Other names: c.1306G>A, p.Gly436Arg (NM_001270507.2, NM_006290.4); short protein forms G436R.
Identifiers: ClinVar variation 812026 (VCV000812026.11), dbSNP rs766691413, ClinGen allele CA4019612.

ClinVar aggregate classification (germline): Uncertain significance. Review status: criteria provided, multiple submitters, no conflicts (2 of 4 stars). 2 submissions from 2 submitters: Uncertain significance (2). Last evaluated 2023-10-29.

Conditions:
Autoinflammatory syndrome, familial, Behcet-like. Identifiers: MedGen CN234876, MONDO:0031384.

Allele frequency attached by ClinVar (database versions not stated): TOPMed below 0.00001; ExAC 0.00001; gnomAD 0.00001.
gnomAD v4.1: 7 of 1,613,928 alleles (0.00043%); highest among the groups gnomAD compares: African/African-American, 0.0013%; no homozygotes.

Submissions (2):

Labcorp Genetics (formerly Invitae), Labcorp
Classification: Uncertain significance. Last evaluated: 2023-10-29. Review status: criteria provided, single submitter. Criteria: Invitae Variant Classification Sherloc (09022015). Collection method: clinical testing. Allele origin: germline.
Comment: This sequence change replaces glycine, which is neutral and non-polar, with arginine, which is basic and polar, at codon 436 of the TNFAIP3 protein (p.Gly436Arg). This variant is present in population databases (rs766691413, gnomAD 0.004%). This variant has not been reported in the literature in individuals affected with TNFAIP3-related conditions. ClinVar contains an entry for this variant (Variation ID: 812026). Advanced modeling of protein sequence and biophysical properties (such as structural, functional, and spatial information, amino acid conservation, physicochemical variation, residue mobility, and thermodynamic stability) performed at Invitae indicates that this missense variant is not expected to disrupt TNFAIP3 protein function with a negative predictive value of 80%. In summary, the available evidence is currently insufficient to determine the role of this variant in disease. Therefore, it has been classified as a Variant of Uncertain Significance.

ARUP Laboratories, Molecular Genetics and Genomics, ARUP Laboratories
Classification: Uncertain significance for Autoinflammatory syndrome, familial, Behcet-like 1. Last evaluated: 2019-05-29. Review status: criteria provided, single submitter. Criteria: ARUP Molecular Germline Variant Investigation Process. Collection method: clinical testing. Allele origin: germline.
Comment: The TNFAIP3 c.1306G>; p.Gly436Arg variant (rs766691413), to our knowledge, is not reported in the medical literature or gene specific databases. This variant is only observed on two alleles in the Genome Aggregation Database, indicating it is not a common polymorphism. The glycine at codon 436 is highly conserved, and computational analyses (SIFT, PolyPhen-2) predict that this variant is deleterious. Due to limited information, the clinical significance of the p.Gly436Arg variant is uncertain at this time.